The following is an entry in ClinVar:

NM_004415.4(DSP):c.2904C>T (p.Tyr968=)

Gene: DSP (desmoplakin; plus strand). Cytogenetic location: 6p24.3.
Variant type: single nucleotide variant.
Coding change: c.2904C>T on transcript NM_004415.4 (MANE Select); coding-DNA position 2904, C replaced by T.
Protein change: p.Tyr968=; no amino-acid change (tyrosine 968 retained).
Molecular consequence: synonymous variant.
Genome position (GRCh38, 1-based): chr6:7,577,805, C>T. VCF-style: chr6-7577805-C-T. GRCh37 (hg19) VCF-style: chr6-7578038-C-T.
Other names: c.2904C>T, p.Tyr968= (NM_001008844.3, NM_001319034.2); c.2904C>T (NM_004415.3).
Identifiers: ClinVar variation 1602138 (VCV001602138.13), dbSNP rs1241595798, ClinGen allele CA448530601.

ClinVar aggregate classification (germline): Likely benign. Review status: criteria provided, multiple submitters, no conflicts (2 of 4 stars). 5 submissions from 5 submitters: Likely benign (5). Last evaluated 2025-08-29.

Conditions:
Arrhythmogenic cardiomyopathy with wooly hair and keratoderma. Also called: Arrhythmogenic cardiomyopathy with woolly hair and keratoderma; Dilated cardiomyopathy with woolly hair and keratoderma; PALMOPLANTAR KERATODERMA WITH LEFT VENTRICULAR CARDIOMYOPATHY AND WOOLLY HAIR; Carvajal syndrome. Identifiers: Orphanet 65282, MedGen C1854063, MONDO:0011581, OMIM 605676.
Arrhythmogenic right ventricular dysplasia 8 (ARVD8). Also called: Arrhythmogenic Right Ventricular Dysplasia/Cardiomyopathy 8; ARRHYTHMOGENIC RIGHT VENTRICULAR DYSPLASIA, FAMILIAL, 8; ARRHYTHMOGENIC RIGHT VENTRICULAR CARDIOMYOPATHY 8. Identifiers: MedGen C1843896, MONDO:0011831, OMIM 607450.
Cardiovascular phenotype. Identifiers: MedGen CN230736.

Allele frequency attached by ClinVar (database versions not stated): gnomAD exomes below 0.00001; TOPMed 0.00002.
gnomAD v4.1: 4 of 1,614,152 alleles (0.00025%); highest among the groups gnomAD compares: Admixed American, 0.0017%; no homozygotes.

Submissions (5):

Labcorp Genetics (formerly Invitae), Labcorp
Classification: Likely benign for Arrhythmogenic cardiomyopathy with wooly hair and keratoderma; Arrhythmogenic right ventricular dysplasia 8. Last evaluated: 2025-08-29. Review status: criteria provided, single submitter. Criteria: Invitae Variant Classification Sherloc (09022015). Collection method: clinical testing. Allele origin: germline.

Molecular Diagnostic Laboratory for Inherited Cardiovascular Disease, Montreal Heart Institute
Classification: Likely benign. Last evaluated: 2025-02-17. Review status: criteria provided, single submitter. Criteria: ACMG Guidelines, 2015. Collection method: clinical testing. Allele origin: germline. Affected: no.
Comment: BP6;BP7

Blueprint Genetics
Classification: Likely benign. Last evaluated: 2024-11-13. Review status: criteria provided, single submitter. Criteria: ACMG Guidelines, 2015. Collection method: clinical testing. Allele origin: germline.

All of Us Research Program, National Institutes of Health
Classification: Likely benign for Arrhythmogenic cardiomyopathy with wooly hair and keratoderma. Last evaluated: 2023-10-02. Review status: criteria provided, single submitter. Criteria: ACMG Guidelines, 2015. Collection method: clinical testing. Allele origin: germline. Inheritance: Autosomal dominant inheritance. Observed: 3 variant alleles, 3 heterozygotes.
Comment: This study involves interpretation of variants in research participants for the purpose of population health screening. Participant phenotype was not available at the time of variant classification. Additional details can be found in publication PMID: 35346344, PMCID: PMC8962531

Ambry Genetics
Classification: Likely benign for Cardiovascular phenotype. Last evaluated: 2022-04-01. Review status: criteria provided, single submitter. Criteria: Ambry Variant Classification Scheme 2023. Collection method: clinical testing. Allele origin: germline.